The following is an entry in ClinVar:

ClinVar aggregate classification (germline): Uncertain significance (1 of 4 stars; one submission).

Conditions:
Myopathy, centronuclear, 2 (CNM2). Also called: MYOTUBULAR MYOPATHY, AUTOSOMAL RECESSIVE. Identifiers: Orphanet 169186, MedGen CN031787, MONDO:0009709, OMIM 255200.

Allele frequency attached by ClinVar (database versions not stated): gnomAD exomes below 0.00001.
gnomAD v4.1: 1 of 1,613,574 alleles (0.000062%); highest among the groups gnomAD compares: Non-Finnish European, 0.000085%; no homozygotes.

Submission:

Labcorp Genetics (formerly Invitae), Labcorp
Classification: Uncertain significance for Myopathy, centronuclear, 2. Last evaluated: 2024-10-17. Review status: criteria provided, single submitter. Criteria: Invitae Variant Classification Sherloc (09022015). Collection method: clinical testing. Allele origin: germline.
Comment: This sequence change creates a premature translational stop signal (p.Trp571*) in the BIN1 gene. While this is not anticipated to result in nonsense mediated decay, it is expected to disrupt the last 23 amino acid(s) of the BIN1 protein. This variant is not present in population databases (gnomAD no frequency). This variant has not been reported in the literature in individuals affected with BIN1-related conditions. In summary, the available evidence is currently insufficient to determine the role of this variant in disease. Therefore, it has been classified as a Variant of Uncertain Significance.

NM_139343.3(BIN1):c.1712G>A (p.Trp571Ter)

Gene: BIN1 (bridging integrator 1; minus strand). Cytogenetic location: 2q14.3.
Variant type: single nucleotide variant.
Coding change: c.1712G>A on transcript NM_139343.3 (MANE Select); coding-DNA position 1712, G replaced by A.
Protein change: p.Trp571Ter; replaces tryptophan 571 with a stop codon.
Molecular consequence: nonsense.
Genome position (GRCh38, 1-based): chr2:127,048,596, C>T on the plus strand (G>A on the coding strand, the complement: BIN1 is on the minus strand). VCF-style: chr2-127048596-C-T. GRCh37 (hg19) VCF-style: chr2-127806172-C-T.
Other names: c.1205G>A, p.Trp402Ter (NM_001320632.2); c.1343G>A, p.Trp448Ter (NM_001320633.2); c.1088G>A, p.Trp363Ter (NM_001320634.1); c.1472G>A, p.Trp491Ter (NM_001320640.2); c.1619G>A, p.Trp540Ter (NM_001320641.2); c.1631G>A, p.Trp544Ter (NM_001320642.1); c.1295G>A, p.Trp432Ter (NM_004305.4); c.1583G>A, p.Trp528Ter (NM_139344.3); and 7 more; short protein forms W460*, W496*, W417*, W453*, W363*, W432*, W491*, W528*.
Identifiers: ClinVar variation 2770679 (VCV002770679.3), dbSNP rs2467132580, ClinGen allele CA348373609.